The following is an entry in ClinVar:

NM_001148.6(ANK2):c.10594A>C (p.Ile3532Leu)

Gene: ANK2 (ankyrin 2; plus strand). Cytogenetic location: 4q26.
Variant type: single nucleotide variant.
Coding change: c.10594A>C on transcript NM_001148.6 (MANE Select); coding-DNA position 10594, A replaced by C.
Protein change: p.Ile3532Leu; replaces isoleucine 3532 with leucine.
Molecular consequence: missense variant. On other transcripts: intron variant (68).
Genome position (GRCh38, 1-based): chr4:113,359,212, A>C. VCF-style: chr4-113359212-A-C. GRCh37 (hg19) VCF-style: chr4-114280368-A-C.
Other names: c.10360A>C, p.Ile3454Leu (NM_001386142.1); c.6994A>C, p.Ile2332Leu (NM_001386166.1); c.10735A>C, p.Ile3579Leu (NM_001386174.1); c.10711A>C, p.Ile3571Leu (NM_001386175.1); c.4412-1611A>C (NM_001386186.2, NM_001386148.2); c.4214-1611A>C (NM_001354269.3); c.4292-1611A>C (NM_001386187.2); c.4253-1611A>C (NM_001386147.1); and 35 more; short protein forms I3571L, I3579L, I3454L, I3532L, I2332L.
Identifiers: ClinVar variation 3540052 (VCV003540052.1).
Genomic context (GRCh38, chr4:113,359,212, plus strand): 5'-GAAGTATCAGTAATTGAAAATCTGCCACCTGTTGAGACCGAGCACTCAGTTCCTGAGGAC[A>C]TCTTTGACACAAGGCCCATTTGGGATGAGTCTATTGAGACTCTGATTGAACGCATCCCTG-3'
Protein context (NP_001139.3, residues 3522-3542): VETEHSVPED[Ile3532Leu]FDTRPIWDES

ClinVar aggregate classification (germline): Uncertain significance (1 of 4 stars; one submission).

Conditions:
Cardiovascular phenotype. Identifiers: MedGen CN230736.

Submission:

Ambry Genetics
Classification: Uncertain significance for Cardiovascular phenotype. Last evaluated: 2024-10-22. Review status: criteria provided, single submitter. Criteria: Ambry Variant Classification Scheme 2023. Collection method: clinical testing. Allele origin: germline.
Comment: The p.I3532L variant (also known as c.10594A>C), located in coding exon 38 of the ANK2 gene, results from an A to C substitution at nucleotide position 10594. The isoleucine at codon 3532 is replaced by leucine, an amino acid with highly similar properties. This amino acid position is conserved. In addition, the in silico prediction for this alteration is inconclusive. Based on the available evidence, the clinical significance of this variant remains unclear.